The following is an entry in ClinVar:

NM_020461.4(TUBGCP6):c.2793C>T (p.Pro931=)

Gene: TUBGCP6 (tubulin gamma complex component 6; minus strand). Cytogenetic location: 22q13.33.
Variant type: single nucleotide variant.
Coding change: c.2793C>T on transcript NM_020461.4 (MANE Select); coding-DNA position 2793, C replaced by T.
Protein change: p.Pro931=; no amino-acid change (proline 931 retained).
Molecular consequence: synonymous variant.
Genome position (GRCh38, 1-based): chr22:50,221,566, G>A on the plus strand (C>T on the coding strand, the complement: TUBGCP6 is on the minus strand). VCF-style: chr22-50221566-G-A. GRCh37 (hg19) VCF-style: chr22-50659995-G-A.
Identifiers: ClinVar variation 1633387 (VCV001633387.9), dbSNP rs549917142, ClinGen allele CA10308112.
Genomic context (GRCh38, chr22:50,221,566, plus strand): 5'-GTACTCCTGTGGCCTGGAGGGCTGAGTGCTGGCTGCTGCGGGTGCCTCCCCAGGAGCTGA[G>A]GGGGGCAGGTCCAAGTTAATGGTCTGCAGCGCCACCTCCAGGAGAGGGACCATGCCAGTC-3'
Protein context (NP_065194.3, residues 921-941): ALQTINLDLP[Pro931=]SAPGEAPAAA

ClinVar aggregate classification (germline): Likely benign. Review status: criteria provided, multiple submitters, no conflicts (2 of 4 stars). 2 submissions from 2 submitters: Likely benign (2). Last evaluated 2026-06-01.

Allele frequency attached by ClinVar (database versions not stated): 1000 Genomes Project 30x 0.00031; 1000 Genomes Project 0.00040.
gnomAD v4.1: 14 of 1,587,856 alleles (0.00088%); highest among the groups gnomAD compares: African/African-American, 0.0094%; no homozygotes.

Submissions (2):

CeGaT Center for Human Genetics Tuebingen
Classification: Likely benign. Last evaluated: 2026-06-01. Review status: criteria provided, single submitter. Criteria: CeGaT Center For Human Genetics Tuebingen Variant Classification Criteria Version 2. Collection method: clinical testing. Allele origin: germline. Affected: yes. Observed: 1 variant allele.
Comment: TUBGCP6: BP4, BP7

Labcorp Genetics (formerly Invitae), Labcorp
Classification: Likely benign. Last evaluated: 2024-12-15. Review status: criteria provided, single submitter. Criteria: Invitae Variant Classification Sherloc (09022015). Collection method: clinical testing. Allele origin: germline.